The following is an entry in ClinVar:

ClinVar aggregate classification (germline): Likely pathogenic (1 of 4 stars; one submission).

Conditions:
Global developmental delay - lung cysts - overgrowth - Wilms tumor syndrome. Also called: GLOW Syndrome; GLOBAL DEVELOPMENTAL DELAY, LUNG CYSTS, OVERGROWTH, AND WILMS TUMOR. Identifiers: Orphanet 404476, MedGen C4748924, MONDO:0018445, OMIM 618272.
Euthyroid goiter (MNG1). Also called: Goiter, multinodular 1, with or without Sertoli-Leydig cell tumors; SIMPLE GOITER; GOITER, NONTOXIC, WITH INTRATHYROIDAL CALCIFICATION; MULTINODULAR GOITER, ADOLESCENT. Identifiers: Orphanet 276399, MedGen C0302859, MONDO:0007681, OMIM 138800, HP:0009798.
Rhabdomyosarcoma, embryonal, 2 (RMSE2). Identifiers: MedGen C1867234, MONDO:0859046, OMIM 180295.
Pleuropulmonary blastoma (PPB). Identifiers: Orphanet 64742, MedGen C1266144, MONDO:0011014, OMIM 601200, HP:0100528.

Submission:

Juno Genomics, Hangzhou Juno Genomics, Inc
Classification: Likely pathogenic for Global developmental delay - lung cysts - overgrowth - Wilms tumor syndrome; Euthyroid goiter; Pleuropulmonary blastoma; Rhabdomyosarcoma, embryonal, 2. Review status: criteria provided, single submitter. Criteria: ACMG Guidelines, 2015. Collection method: clinical testing. Allele origin: germline.
Comment: Null variant in a gene where loss of function (LOF) is a known mechanism of disease.;Absent from controls (or at extremely low frequency if recessive) in Genome Aggregation Database.

NM_177438.3(DICER1):c.735-1G>A

Gene: DICER1 (dicer 1, ribonuclease III; minus strand). Cytogenetic location: 14q32.13.
Variant type: single nucleotide variant.
Coding change: c.735-1G>A on transcript NM_177438.3 (MANE Select); the canonical splice acceptor site of the intron before coding-DNA position 735, G replaced by A.
Molecular consequence: splice acceptor variant.
Genome position (GRCh38, 1-based): chr14:95,126,749, C>T on the plus strand (G>A on the coding strand, the complement: DICER1 is on the minus strand). VCF-style: chr14-95126749-C-T. GRCh37 (hg19) VCF-style: chr14-95593086-C-T.
Other names: c.735-1G>A (NM_001291628.2, NM_030621.4, NM_001395677.1 and 14 more transcripts); c.330-1G>A (NM_001395690.1, NM_001395687.1, NM_001395689.1 and 3 more transcripts); c.453-1G>A (NM_001395686.1); c.168-1G>A (NM_001395691.1); c.-834-1G>A (NM_001395697.1).
Identifiers: ClinVar variation 5005364 (VCV005005364.2).